The following is an entry in ClinVar:

NM_001382273.1(TNK2):c.-18-6C>T

Gene: TNK2 (tyrosine kinase non receptor 2; minus strand). Cytogenetic location: 3q29.
Variant type: single nucleotide variant.
Coding change: c.-18-6C>T on transcript NM_001382273.1 (MANE Select); 6 bases into the intron before 18 bases upstream of the start codon, C replaced by T.
Molecular consequence: intron variant.
Genome position (GRCh38, 1-based): chr3:195,888,612, G>A on the plus strand (C>T on the coding strand, the complement: TNK2 is on the minus strand). VCF-style: chr3-195888612-G-A. GRCh37 (hg19) VCF-style: chr3-195615483-G-A.
Other names: c.172-6C>T (NM_001010938.1); c.-18-6C>T (NM_001387720.1, NM_005781.5, NM_001386164.1 and 12 more transcripts); c.55-6C>T (NM_001387715.1, NM_001387708.1, NM_001010938.2 and 1 more transcripts); c.79-6C>T (NM_001308046.2, NM_001382271.1, NM_001382275.1 and 1 more transcripts).
Identifiers: ClinVar variation 1649925 (VCV001649925.11), dbSNP rs113106902, ClinGen allele CA2777049.

ClinVar aggregate classification (germline): Benign. Review status: criteria provided, multiple submitters, no conflicts (2 of 4 stars). 3 submissions from 3 submitters: Benign (2). 1 of the submissions does not count toward it. Last evaluated 2026-01-05.

Conditions:
TNK2-related disorder. Also called: TNK2-related condition.

Allele frequency attached by ClinVar (database versions not stated): ExAC 0.01026; ESP Exome Variant Server 0.01623; 1000 Genomes Project 0.01917; TOPMed 0.01952; 1000 Genomes Project 30x 0.01983.
gnomAD v4.1: 9,782 of 1,604,624 alleles (0.61%); highest among the groups gnomAD compares: African/African-American, 4.9%; 115 homozygotes.

Submissions (3):

Labcorp Genetics (formerly Invitae), Labcorp
Classification: Benign. Last evaluated: 2026-01-05. Review status: criteria provided, single submitter. Criteria: Invitae Variant Classification Sherloc (09022015). Collection method: clinical testing. Allele origin: germline.

Breakthrough Genomics
Classification: Benign. Review status: criteria provided, single submitter. Criteria: ACMG Guidelines, 2015. Collection method: not provided. Allele origin: germline. Inheritance: Unknown mechanism. Affected: yes.

PreventionGenetics, part of Exact Sciences
Classification: Benign for TNK2-related condition. Last evaluated: 2019-06-26. Review status: no assertion criteria provided. Collection method: clinical testing. Allele origin: germline. Not counted in ClinVar's aggregate classification.
Comment: This variant is classified as benign based on ACMG/AMP sequence variant interpretation guidelines (Richards et al. 2015 PMID: 25741868, with internal and published modifications).